The following is an entry in ClinVar:

ClinVar aggregate classification (germline): Uncertain significance (1 of 4 stars; one submission).

Allele frequency attached by ClinVar (database versions not stated): gnomAD 0.00001; gnomAD exomes 0.00001 and 0.00002; TOPMed 0.00001; ExAC 0.00002.
gnomAD v4.1: 18 of 1,610,828 alleles (0.0011%); highest among the groups gnomAD compares: South Asian, 0.0055%; no homozygotes.

Submission:

Labcorp Genetics (formerly Invitae), Labcorp
Classification: Uncertain significance. Last evaluated: 2025-04-16. Review status: criteria provided, single submitter. Criteria: Invitae Variant Classification Sherloc (09022015). Collection method: clinical testing. Allele origin: germline.
Comment: This sequence change replaces arginine, which is basic and polar, with histidine, which is basic and polar, at codon 172 of the AHR protein (p.Arg172His). This variant is present in population databases (rs772197352, gnomAD 0.007%). This variant has not been reported in the literature in individuals affected with AHR-related conditions. ClinVar contains an entry for this variant (Variation ID: 850833). An algorithm developed to predict the effect of missense changes on protein structure and function (PolyPhen-2) suggests that this variant is likely to be tolerated. In summary, the available evidence is currently insufficient to determine the role of this variant in disease. Therefore, it has been classified as a Variant of Uncertain Significance.

NM_001621.5(AHR):c.515G>A (p.Arg172His)

Gene: AHR (aryl hydrocarbon receptor; plus strand). Cytogenetic location: 7p21.1.
Variant type: single nucleotide variant.
Coding change: c.515G>A on transcript NM_001621.5 (MANE Select); coding-DNA position 515, G replaced by A.
Protein change: p.Arg172His; replaces arginine 172 with histidine.
Molecular consequence: missense variant.
Genome position (GRCh38, 1-based): chr7:17,330,016, G>A. VCF-style: chr7-17330016-G-A. GRCh37 (hg19) VCF-style: chr7-17369640-G-A.
Other names: short protein forms R172H.
Identifiers: ClinVar variation 850833 (VCV000850833.9), dbSNP rs772197352, ClinGen allele CA4171859.